The following is an entry in ClinVar:

ClinVar aggregate classification (germline): Likely benign (1 of 4 stars; one submission).

Allele frequency attached by ClinVar (database versions not stated): 1000 Genomes Project 0.00260; 1000 Genomes Project 30x 0.00265; ExAC 0.00334; gnomAD exomes 0.00471.

Submission:

CeGaT Center for Human Genetics Tuebingen
Classification: Likely benign. Last evaluated: 2025-03-01. Review status: criteria provided, single submitter. Criteria: CeGaT Center For Human Genetics Tuebingen Variant Classification Criteria Version 2. Collection method: clinical testing. Allele origin: germline. Affected: yes. Observed: 7 variant alleles.
Comment: WT1-AS: BS2

NR_023920.2(WT1-AS):n.791T>C

Gene: WT1-AS (WT1 antisense RNA; plus strand). Cytogenetic location: 11p13.
Variant type: single nucleotide variant.
Molecular consequence: non-coding transcript variant (on NR_023920.2).
Genome position: GRCh38 VCF-style: chr11-32438306-T-C. GRCh37 (hg19) VCF-style: chr11-32459852-T-C.
Identifiers: ClinVar variation 2641704 (VCV002641704.24), dbSNP rs141844446, ClinGen allele CA5934367.